The following is an entry in ClinVar:

ClinVar aggregate classification (germline): Benign/Likely benign. Review status: criteria provided, multiple submitters, no conflicts (2 of 4 stars). 4 submissions from 4 submitters: Benign (1); Likely benign (3). Last evaluated 2026-01-14.

Conditions:
Hereditary cancer-predisposing syndrome. Also called: Hereditary neoplastic syndrome; Neoplastic Syndromes, Hereditary; Tumor predisposition; Hereditary Cancer Syndrome. Identifiers: Orphanet 140162, MedGen C0027672, MeSH D009386, MONDO:0015356.
Familial cancer of breast. Also called: BREAST CANCER, FAMILIAL; Hereditary breast cancer; hereditary breast carcinoma. Identifiers: Orphanet 227535, MedGen C0346153, MONDO:0016419, OMIM 114480. Disease mechanism: loss of function.
Ataxia-telangiectasia syndrome (AT). Also called: LOUIS-BAR SYNDROME; Cerebello-oculocutaneous telangiectasia; Immunodeficiency with ataxia telangiectasia; AT, COMPLEMENTATION GROUP C; Ataxia-telangiectasia, complementation group D; ATAXIA-TELANGIECTASIA, COMPLEMENTATION GROUP A. Identifiers: Orphanet 100, MedGen C0004135, MONDO:0008840, OMIM 208900.

Allele frequency attached by ClinVar (database versions not stated): gnomAD 0.00001.
gnomAD v4.1: 3 of 1,614,088 alleles (0.00019%); highest among the groups gnomAD compares: African/African-American, 0.004%; no homozygotes.

Submissions (4):

Labcorp Genetics (formerly Invitae), Labcorp
Classification: Likely benign for Ataxia-telangiectasia syndrome. Last evaluated: 2026-01-14. Review status: criteria provided, single submitter. Criteria: Invitae Variant Classification Sherloc (09022015). Collection method: clinical testing. Allele origin: germline.

Myriad Genetics, Inc.
Classification: Benign for Familial cancer of breast. Last evaluated: 2024-04-29. Review status: criteria provided, single submitter. Criteria: Myriad Autosomal Dominant, Autosomal Recessive and X-Linked Classification Criteria (2023). Collection method: clinical testing. Allele origin: unknown.
Comment: This variant is considered benign. This variant is a silent/synonymous amino acid change and it is not expected to impact splicing.

Color Diagnostics, LLC DBA Color Health
Classification: Likely benign for Hereditary cancer-predisposing syndrome. Last evaluated: 2019-04-09. Review status: criteria provided, single submitter. Criteria: ACMG Guidelines, 2015. Collection method: clinical testing. Allele origin: germline.

Ambry Genetics
Classification: Likely benign for Hereditary cancer-predisposing syndrome. Last evaluated: 2017-09-11. Review status: criteria provided, single submitter. Criteria: Ambry Variant Classification Scheme 2023. Collection method: clinical testing. Allele origin: germline.

NM_000051.4(ATM):c.1410A>G (p.Ser470=)

Gene: ATM (ATM serine/threonine kinase; plus strand). Cytogenetic location: 11q22.3.
Variant type: single nucleotide variant.
Coding change: c.1410A>G on transcript NM_000051.4 (MANE Select); coding-DNA position 1410, A replaced by G.
Protein change: p.Ser470=; no amino-acid change (serine 470 retained).
Molecular consequence: synonymous variant.
Genome position (GRCh38, 1-based): chr11:108,250,875, A>G. VCF-style: chr11-108250875-A-G. GRCh37 (hg19) VCF-style: chr11-108121602-A-G.
Other names: c.1410A>G, p.Ser470= (NM_001351834.2).
Identifiers: ClinVar variation 481360 (VCV000481360.17), dbSNP rs939650649, ClinGen allele CA228390971.